The following is an entry in ClinVar:

ClinVar aggregate classification (germline): Uncertain significance (1 of 4 stars; one submission).

Allele frequency attached by ClinVar (database versions not stated): gnomAD exomes 0.00001.
gnomAD v4.1: 3 of 1,614,064 alleles (0.00019%); highest among the groups gnomAD compares: Non-Finnish European, 0.00025%; no homozygotes.

Submission:

Ambry Genetics
Classification: Uncertain significance. Last evaluated: 2023-03-18. Review status: criteria provided, single submitter. Criteria: Ambry Variant Classification Scheme 2023. Collection method: clinical testing. Allele origin: germline.
Comment: The p.L1040F variant (also known as c.3120G>C), located in coding exon 27 of the KIF1B gene, results from a G to C substitution at nucleotide position 3120. The leucine at codon 1040 is replaced by phenylalanine, an amino acid with highly similar properties. This amino acid position is conserved. In addition, this alteration is predicted to be tolerated by in silico analysis. Since supporting evidence is limited at this time, the clinical significance of this alteration remains unclear.

NM_001365951.3(KIF1B):c.3258G>C (p.Leu1086Phe)

Gene: KIF1B (kinesin family member 1B; plus strand). Cytogenetic location: 1p36.22.
Variant type: single nucleotide variant.
Coding change: c.3258G>C on transcript NM_001365951.3 (MANE Select); coding-DNA position 3258, G replaced by C.
Protein change: p.Leu1086Phe; replaces leucine 1086 with phenylalanine.
Molecular consequence: missense variant.
Genome position (GRCh38, 1-based): chr1:10,337,202, G>C. VCF-style: chr1-10337202-G-C. GRCh37 (hg19) VCF-style: chr1-10397260-G-C.
Other names: c.3258G>C, p.Leu1086Phe (NM_001365952.1); c.3120G>C, p.Leu1040Phe (NM_015074.3); short protein forms L1086F, L1040F.
Identifiers: ClinVar variation 2561712 (VCV002561712.2), dbSNP rs1569853492, ClinGen allele CA338340142.